The following is an entry in ClinVar:

NM_000133.4(F9):c.1359G>A (p.Trp453Ter)

Gene: F9 (coagulation factor IX; plus strand). Cytogenetic location: Xq27.1.
Variant type: single nucleotide variant.
Coding change: c.1359G>A on transcript NM_000133.4 (MANE Select); coding-DNA position 1359, G replaced by A.
Protein change: p.Trp453Ter; replaces tryptophan 453 with a stop codon.
Molecular consequence: nonsense.
Genome position (GRCh38, 1-based): chrX:139,562,044, G>A. VCF-style: chrX-139562044-G-A. GRCh37 (hg19) VCF-style: chrX-138644203-G-A.
Other names: NM_000133.4:c.1359G>A; c.1245G>A, p.Trp415Ter (NM_001313913.2); short protein forms W415*, W453*.
Identifiers: ClinVar variation 3242390 (VCV003242390.2), dbSNP rs1341687319.

ClinVar aggregate classification (germline): Pathogenic. Review status: reviewed by expert panel (3 of 4 stars). 2 submissions from 2 submitters: Pathogenic (1). 1 of the submissions does not count toward it. Last evaluated 2024-04-26.

Conditions:
F9-related disorders.
Hereditary factor IX deficiency disease (HEMB). Also called: Christmas Disease; F9 DEFICIENCY; FACTOR IX DEFICIENCY; PLASMA THROMBOPLASTIN COMPONENT DEFICIENCY; Hemophilia B. Identifiers: Orphanet 98879, MedGen C0008533, MeSH D002836, MONDO:0010604, OMIM 306900.

Allele frequency attached by ClinVar (database versions not stated): TOPMed 0.00001.

Submissions (2):

ClinGen Coagulation Factor Deficiency Variant Curation Expert Panel, Clingen
Classification: Pathogenic for Hereditary factor IX deficiency disease. Last evaluated: 2024-04-26. Review status: reviewed by expert panel. Criteria: ClinGen CoagFactor ACMG Specifications F9 V1.0.0. Collection method: curation. Allele origin: germline. Inheritance: X-linked inheritance.
Comment: The variant c.1359G>A (p.Trp453Ter) introduces a premature stop codon in the last exon and is predicted to result in a truncated protein with more than 90% of the protein intact. This variant has been reported in at least 5 probands with severe hemophilia B, including as a de novo occurrence with assumed maternity and paternity, meeting phenotypic criteria for F9 (PMID: 36347023; PMID: 10698280; PMID: 8091381; PMID: 29296726). This variant is absent from males in population databases (gnomAD v2.1.1/gnomAD v3). In summary, this variant meets the criteria to be classified as pathogenic. ACMG/AMP criteria are applied, as specified by the Coagulation Factor Deficiency Variant Curation Expert Panel for F9: PVS1_moderate + PM2 supporting + PS4 + PP4_Moderate. (ClinGen Coagulation Factor Deficiency Expert Panel Specifications to the ACMG/AMP Variant Interpretation Guidelines for F9 Version 1.0.0, Released 10/5/2023).

Blueprint Genetics
Classification: Pathogenic for F9-related disorders. Last evaluated: 2020-08-11. Review status: criteria provided, single submitter. Criteria: ACMG Guidelines, 2015. Collection method: clinical testing. Allele origin: germline. Affected: yes. Observed: 2 variant alleles. Not counted in ClinVar's aggregate classification.